The following is an entry in ClinVar:

NM_001079537.2(TRAPPC6B):c.119G>T (p.Gly40Val)

Gene: TRAPPC6B (trafficking protein particle complex subunit 6B; minus strand). Cytogenetic location: 14q21.1.
Variant type: single nucleotide variant.
Coding change: c.119G>T on transcript NM_001079537.2 (MANE Select); coding-DNA position 119, G replaced by T.
Protein change: p.Gly40Val; replaces glycine 40 with valine.
Molecular consequence: missense variant.
Genome position (GRCh38, 1-based): chr14:39,159,513, C>A on the plus strand (G>T on the coding strand, the complement: TRAPPC6B is on the minus strand). VCF-style: chr14-39159513-C-A. GRCh37 (hg19) VCF-style: chr14-39628717-C-A.
Other names: c.119G>T, p.Gly40Val (NM_177452.4); short protein forms G40V.
Identifiers: ClinVar variation 2580238 (VCV002580238.2), dbSNP rs435728, ClinGen allele CA389554261.
Genomic context (GRCh38, chr14:39,159,513, plus strand): 5'-CAAGAAAATTTTCAAATCCAACCTGCTCACCTTTCTATCAATCCTTGTCCCACTCGAAAC[C>A]CCATGTTTTCCAGCTTAGTAATACATCGTCCGTTTTCCTATTTTAAAAAACAATAGTTTT-3'
Protein context (NP_001073005.1, residues 30-50): GRCITKLENM[Gly40Val]FRVGQGLIER

ClinVar aggregate classification (germline): Uncertain significance (1 of 4 stars; one submission).

Conditions:
Neurodevelopmental disorder with microcephaly, epilepsy, and brain atrophy. Identifiers: MedGen C4693390, MONDO:0060640, OMIM 617862.

Submission:

Laboratory of genome editing, Research Centre for Medical Genetics
Classification: Uncertain significance for Neurodevelopmental disorder with microcephaly, epilepsy, and brain atrophy. Review status: criteria provided, single submitter. Criteria: ACMG Guidelines, 2015. Collection method: clinical testing. Allele origin: germline. Inheritance: Autosomal recessive inheritance. Affected: yes. Observed: 5 variant alleles, 3 heterozygotes, 2 homozygotes. Clinical features observed: Intellectual disability (HP:0001249), Microcephaly (HP:0000252), Flat occiput (HP:0005469), Motor delay (HP:0001270).
Comment: PM2, PP1, PP3

Literature cited by the submitters: PubMed 35887114.